The following is an entry in ClinVar:

ClinVar aggregate classification (germline): Uncertain significance (1 of 4 stars; one submission).

gnomAD v4.1: 14 of 1,614,054 alleles (0.00087%); highest among the groups gnomAD compares: Non-Finnish European, 0.0011%; no homozygotes.

Submission:

Labcorp Genetics (formerly Invitae), Labcorp
Classification: Uncertain significance. Last evaluated: 2022-07-11. Review status: criteria provided, single submitter. Criteria: Invitae Variant Classification Sherloc (09022015). Collection method: clinical testing. Allele origin: germline.
Comment: In summary, the available evidence is currently insufficient to determine the role of this variant in disease. Therefore, it has been classified as a Variant of Uncertain Significance. Algorithms developed to predict the effect of missense changes on protein structure and function (SIFT, PolyPhen-2, Align-GVGD) all suggest that this variant is likely to be tolerated. This variant has not been reported in the literature in individuals affected with SLC51B-related conditions. This variant is present in population databases (rs751403585, gnomAD 0.0009%). This sequence change replaces histidine, which is basic and polar, with glutamine, which is neutral and polar, at codon 86 of the SLC51B protein (p.His86Gln).

NM_178859.4(SLC51B):c.258C>G (p.His86Gln)

Genes: RASL12 (RAS like family 12; minus strand), SLC51B (SLC51 subunit beta; plus strand). Cytogenetic location: 15q22.31.
Variant type: single nucleotide variant.
Coding change: c.258C>G on transcript NM_178859.4 (MANE Select); coding-DNA position 258, C replaced by G.
Protein change: p.His86Gln; replaces histidine 86 with glutamine.
Molecular consequence: missense variant.
Genome position (GRCh38, 1-based): chr15:65,053,035, C>G. VCF-style: chr15-65053035-C-G. GRCh37 (hg19) VCF-style: chr15-65345373-C-G.
Other names: short protein forms H86Q.
Identifiers: ClinVar variation 1978177 (VCV001978177.5), dbSNP rs751403585, ClinGen allele CA7613512.